The following is an entry in ClinVar:

ClinVar aggregate classification (germline): Likely pathogenic. Review status: criteria provided, single submitter (1 of 4 stars). 2 submissions from 2 submitters: Likely pathogenic (1). 1 of the submissions does not count toward it. Last evaluated 2023-09-04.

Conditions:
Maple syrup urine disease type 1A (MSUD1A). Also called: MSUD type 1A. Identifiers: MedGen C1855369, MONDO:0023691, OMIM 248600.

Submissions (2):

3billion
Classification: Likely pathogenic for Maple syrup urine disease type 1A. Last evaluated: 2023-09-04. Review status: criteria provided, single submitter. Criteria: ACMG Guidelines, 2015. Collection method: clinical testing. Allele origin: germline. Affected: yes.
Comment: The variant is not observed in the gnomAD v2.1.1 dataset. Predicted Consequence/Location: Stop-gained (nonsense): predicted to result in a loss or disruption of normal protein function through protein truncation. The predicted truncated protein may be shortened by more than 10%. The variant has been reported to be associated with BCKDHA related disorder (ClinVar ID: VCV000553717). Therefore, this variant is classified as Likely pathogenic according to the recommendation of ACMG/AMP guideline.

Counsyl
Classification: Likely pathogenic for Maple syrup urine disease type 1A. Last evaluated: 2017-09-06. Review status: no assertion criteria provided. Collection method: clinical testing. Allele origin: unknown. Not counted in ClinVar's aggregate classification.

NM_000709.4(BCKDHA):c.1192G>T (p.Glu398Ter)

Gene: BCKDHA (branched chain keto acid dehydrogenase E1 subunit alpha; plus strand). Cytogenetic location: 19q13.2.
Variant type: single nucleotide variant.
Coding change: c.1192G>T on transcript NM_000709.4 (MANE Select); coding-DNA position 1192, G replaced by T.
Protein change: p.Glu398Ter; replaces glutamic acid 398 with a stop codon.
Molecular consequence: nonsense.
Genome position (GRCh38, 1-based): chr19:41,424,462, G>T. VCF-style: chr19-41424462-G-T. GRCh37 (hg19) VCF-style: chr19-41930367-G-T.
Other names: c.1189G>T, p.Glu397Ter (NM_001164783.2); short protein forms E398*, E397*.
Identifiers: ClinVar variation 553717 (VCV000553717.3), dbSNP rs201168715, ClinGen allele CA406015257.
Genomic context (GRCh38, chr19:41,424,462, plus strand): 5'-GCCGGCTAGCCTGCCCACTGCCCCATGTCCCCACAGGTGATGGAGGCCTTTGAGCAGGCC[G>T]AGCGGAAGCCCAAACCCAACCCCAACCTACTCTTCTCAGACGTGTATCAGGAGATGCCCG-3'